The following is an entry in ClinVar:

ClinVar aggregate classification (germline): Uncertain significance (1 of 4 stars; one submission).

Conditions:
Hereditary spastic paraplegia 7 (SPG7). Also called: SPG7-related neurologic disorder; Autosomal recessive spastic paraplegia type 7; SPASTIC PARAPLEGIA 7, AUTOSOMAL RECESSIVE, WITH OR WITHOUT CEREBELLAR ATAXIA; Spastic paraplegia 7; Hereditary spastic paraplegia Paraplegin type. Identifiers: Orphanet 99013, MedGen C1846564, MONDO:0011803, OMIM 607259.

Submission:

Labcorp Genetics (formerly Invitae), Labcorp
Classification: Uncertain significance for Hereditary spastic paraplegia 7. Last evaluated: 2023-12-11. Review status: criteria provided, single submitter. Criteria: Invitae Variant Classification Sherloc (09022015). Collection method: clinical testing. Allele origin: germline.
Comment: This sequence change replaces histidine, which is basic and polar, with tyrosine, which is neutral and polar, at codon 574 of the SPG7 protein (p.His574Tyr). This variant is not present in population databases (gnomAD no frequency). This variant has not been reported in the literature in individuals affected with SPG7-related conditions. ClinVar contains an entry for this variant (Variation ID: 849875). Advanced modeling of protein sequence and biophysical properties (such as structural, functional, and spatial information, amino acid conservation, physicochemical variation, residue mobility, and thermodynamic stability) has been performed at Invitae for this missense variant, however the output from this modeling did not meet the statistical confidence thresholds required to predict the impact of this variant on SPG7 protein function. In summary, the available evidence is currently insufficient to determine the role of this variant in disease. Therefore, it has been classified as a Variant of Uncertain Significance.

NM_003119.4(SPG7):c.1720C>T (p.His574Tyr)

Gene: SPG7 (SPG7 matrix AAA peptidase subunit, paraplegin; plus strand). Cytogenetic location: 16q24.3.
Variant type: single nucleotide variant.
Coding change: c.1720C>T on transcript NM_003119.4 (MANE Select); coding-DNA position 1720, C replaced by T.
Protein change: p.His574Tyr; replaces histidine 574 with tyrosine.
Molecular consequence: missense variant.
Genome position (GRCh38, 1-based): chr16:89,550,550, C>T. VCF-style: chr16-89550550-C-T. GRCh37 (hg19) VCF-style: chr16-89616958-C-T.
Other names: c.1720C>T, p.His574Tyr (NM_001363850.1); short protein forms H574Y.
Identifiers: ClinVar variation 849875 (VCV000849875.9), dbSNP rs2058623878, ClinGen allele CA397431006.
Genomic context (GRCh38, chr16:89,550,550, plus strand): 5'-TCAGGGACTGCCAAAAAGAGCAAGATCCTGTCCAAGGAAGAACAGAAAGTGGTTGCGTTT[C>T]ATGAGTCGGGCCACGCCTTGGTGGGCTGGATGCTGGAGCACACGGAGGCCGTGATGAAGG-3'
Protein context (NP_003110.1, residues 564-584): SKEEQKVVAF[His574Tyr]ESGHALVGWM